The following is an entry in ClinVar:

NM_000214.3(JAG1):c.1627C>T (p.Arg543Cys)

Gene: JAG1 (jagged canonical Notch ligand 1; minus strand). Cytogenetic location: 20p12.2.
Variant type: single nucleotide variant.
Coding change: c.1627C>T on transcript NM_000214.3 (MANE Select); coding-DNA position 1627, C replaced by T.
Protein change: p.Arg543Cys; replaces arginine 543 with cysteine.
Molecular consequence: missense variant.
Genome position (GRCh38, 1-based): chr20:10,648,053, G>A on the plus strand (C>T on the coding strand, the complement: JAG1 is on the minus strand). VCF-style: chr20-10648053-G-A. GRCh37 (hg19) VCF-style: chr20-10628701-G-A.
Other names: c.1627C>T, p.Arg543Cys (LRG_1191t1); short protein forms R543C.
Identifiers: ClinVar variation 213534 (VCV000213534.15), dbSNP rs375017114, ClinGen allele CA324982.

ClinVar aggregate classification (germline): Conflicting classifications of pathogenicity. Review status: criteria provided, conflicting classifications (1 of 4 stars). 4 submissions from 4 submitters: Uncertain significance (3); Likely benign (1). Last evaluated 2025-05-11.

Conditions:
JAG1-related disorder. Also called: JAG1-related condition; JAG1-related disorders.
Alagille syndrome due to a JAG1 point mutation. Also called: Alagille Syndrome 1; HEPATIC DUCTULAR HYPOPLASIA, SYNDROMATIC; JAG1-Related Alagille Syndrome. Identifiers: Orphanet 261619, Orphanet 52, MedGen C1956125, MONDO:0016862, OMIM 118450.

Allele frequency attached by ClinVar (database versions not stated): gnomAD 0.00001 and 0.00002; gnomAD exomes 0.00002 and 0.00011; TOPMed 0.00002; ExAC 0.00004; ESP Exome Variant Server 0.00008; 1000 Genomes Project 30x 0.00016; 1000 Genomes Project 0.00020.
gnomAD v4.1: 159 of 1,614,132 alleles (0.0099%); highest among the groups gnomAD compares: Non-Finnish European, 0.013%; no homozygotes.

Submissions (4):

Labcorp Genetics (formerly Invitae), Labcorp
Classification: Likely benign for Alagille syndrome due to a JAG1 point mutation. Last evaluated: 2025-05-11. Review status: criteria provided, single submitter. Criteria: Invitae Variant Classification Sherloc (09022015). Collection method: clinical testing. Allele origin: germline.

PreventionGenetics, part of Exact Sciences
Classification: Uncertain significance for JAG1-related condition. Last evaluated: 2025-03-07. Review status: criteria provided, single submitter. Criteria: ACMG Guidelines, 2015. Collection method: clinical testing. Allele origin: germline.
Comment: The JAG1 c.1627C>T variant is predicted to result in the amino acid substitution p.Arg543Cys. To our knowledge, this variant has not been reported in the literature. This variant is reported in 0.0065% of alleles in individuals of South Asian descent in gnomAD. At this time, the clinical significance of this variant is uncertain due to the absence of conclusive functional and genetic evidence.

Revvity Omics, Revvity
Classification: Uncertain significance. Last evaluated: 2021-03-09. Review status: criteria provided, single submitter. Criteria: ACMG Guidelines, 2015. Collection method: clinical testing. Allele origin: germline.

GeneDx
Classification: Uncertain significance. Last evaluated: 2018-10-25. Review status: criteria provided, single submitter. Criteria: GeneDx Variant Classification (06012015). Collection method: clinical testing. Allele origin: germline. Affected: yes.
Comment: The R543C variant has not been published as a mutation, nor has it been reported as a benign polymorphism to our knowledge. The R543C variant was not observed at a significant frequency in approximately 6,500 individuals of European and African American ancestry in the NHLBI Exome Sequencing Project, indicating it is not a common benign variant in these populations. This substitution occurs at a position within the EGF-like 9 domain that is conserved across mammalian species. The R543C variant is a non-conservative amino acid substitution, as an arginine is replaced with a cysteine residue, possibly affecting disulfide bonds and impacting protein structure. In silico analyses predict this variant is probably damaging to the protein structure/function. However, no missense mutations in nearby residues have been reported. This variant was found in JAG1